The following is an entry in ClinVar:

ClinVar aggregate classification (germline): Uncertain significance (1 of 4 stars; one submission).

Conditions:
Cohen syndrome (COH1). Also called: PEPPER SYNDROME; Cutis verticis gyrata, retinitis pigmentosa, and sensorineural deafness. Identifiers: Orphanet 193, MedGen C0265223, MONDO:0008999, OMIM 216550.

Allele frequency attached by ClinVar (database versions not stated): gnomAD exomes below 0.00001 and 0.00001; TOPMed below 0.00001; gnomAD 0.00001.
gnomAD v4.1: 3 of 1,613,800 alleles (0.00019%); highest among the groups gnomAD compares: African/African-American, 0.0027%; no homozygotes.

Submission:

Labcorp Genetics (formerly Invitae), Labcorp
Classification: Uncertain significance for Cohen syndrome. Last evaluated: 2022-07-06. Review status: criteria provided, single submitter. Criteria: Invitae Variant Classification Sherloc (09022015). Collection method: clinical testing. Allele origin: germline.
Comment: In summary, the available evidence is currently insufficient to determine the role of this variant in disease. Therefore, it has been classified as a Variant of Uncertain Significance. This sequence change replaces glutamine, which is neutral and polar, with arginine, which is basic and polar, at codon 2137 of the VPS13B protein (p.Gln2137Arg). This variant is present in population databases (no rsID available, gnomAD 0.008%). This variant has not been reported in the literature in individuals affected with VPS13B-related conditions. ClinVar contains an entry for this variant (Variation ID: 840791). Algorithms developed to predict the effect of missense changes on protein structure and function output the following: SIFT: "Not Available"; PolyPhen-2: "Benign"; Align-GVGD: "Not Available". The arginine amino acid residue is found in multiple mammalian species, which suggests that this missense change does not adversely affect protein function.

NM_152564.5(VPS13B):c.6335A>G (p.Gln2112Arg)

Gene: VPS13B (vacuolar protein sorting 13 homolog B; plus strand). Cytogenetic location: 8q22.2.
Variant type: single nucleotide variant.
Coding change: c.6335A>G on transcript NM_152564.5 (MANE Select); coding-DNA position 6335, A replaced by G.
Protein change: p.Gln2112Arg; replaces glutamine 2112 with arginine.
Molecular consequence: missense variant.
Genome position (GRCh38, 1-based): chr8:99,699,813, A>G. VCF-style: chr8-99699813-A-G. GRCh37 (hg19) VCF-style: chr8-100712041-A-G.
Other names: c.6410A>G, p.Gln2137Arg (NM_017890.5); short protein forms Q2112R, Q2137R.
Identifiers: ClinVar variation 840791 (VCV000840791.6), dbSNP rs1212416417, ClinGen allele CA371874944.